The following is an entry in ClinVar:

ClinVar aggregate classification (germline): Uncertain significance (1 of 4 stars; one submission).

Conditions:
Inborn genetic diseases. Identifiers: MedGen C0950123, MeSH D030342.

Submission:

Ambry Genetics
Classification: Uncertain significance for Inborn genetic diseases. Last evaluated: 2025-07-07. Review status: criteria provided, single submitter. Criteria: Ambry Variant Classification Scheme 2023. Collection method: clinical testing. Allele origin: germline.
Comment: The p.E918D variant (also known as c.2754A>T), located in coding exon 1 of the SAMD9L gene, results from an A to T substitution at nucleotide position 2754. The glutamic acid at codon 918 is replaced by aspartic acid, an amino acid with highly similar properties. This amino acid position is conserved. In addition, this alteration is predicted to be tolerated by in silico analysis. Based on the available evidence, the clinical significance of this variant remains unclear.

NM_152703.5(SAMD9L):c.2754A>T (p.Glu918Asp)

Gene: SAMD9L (sterile alpha motif domain containing 9 like; minus strand). Cytogenetic location: 7q21.2.
Variant type: single nucleotide variant.
Coding change: c.2754A>T on transcript NM_152703.5 (MANE Select); coding-DNA position 2754, A replaced by T.
Protein change: p.Glu918Asp; replaces glutamic acid 918 with aspartic acid.
Molecular consequence: missense variant.
Genome position (GRCh38, 1-based): chr7:93,133,218, T>A on the plus strand (A>T on the coding strand, the complement: SAMD9L is on the minus strand). VCF-style: chr7-93133218-T-A. GRCh37 (hg19) VCF-style: chr7-92762531-T-A.
Other names: c.2754A>T, p.Glu918Asp (NM_001303496.3, NM_001303497.3, NM_001303498.3 and 5 more transcripts); short protein forms E918D.
Identifiers: ClinVar variation 4159310 (VCV004159310.1).
Genomic context (GRCh38, chr7:93,133,218, plus strand): 5'-TGAAATTGTAGAGTCAGTAACATAAGAGCTGAGTAAAGCCAGGAAGGAAATGAGTTGTGC[T>A]TCCTTGCTGTCAACATCCTGTCCTTTTAGGATATTCCTGACTACATTTTCTATATATGTT-3'
Protein context (NP_689916.2, residues 908-928): ILKGQDVDSK[Glu918Asp]AQLISFLALL